The following is an entry in ClinVar:

NM_024105.4(ALG12):c.1369A>G (p.Thr457Ala)

Gene: ALG12 (ALG12 alpha-1,6-mannosyltransferase; minus strand). Cytogenetic location: 22q13.33.
Variant type: single nucleotide variant.
Coding change: c.1369A>G on transcript NM_024105.4 (MANE Select); coding-DNA position 1369, A replaced by G.
Protein change: p.Thr457Ala; replaces threonine 457 with alanine.
Molecular consequence: missense variant.
Genome position (GRCh38, 1-based): chr22:49,903,936, T>C on the plus strand (A>G on the coding strand, the complement: ALG12 is on the minus strand). VCF-style: chr22-49903936-T-C. GRCh37 (hg19) VCF-style: chr22-50297584-T-C.
Other names: short protein forms T457A.
Identifiers: ClinVar variation 1716136 (VCV001716136.5), dbSNP rs2519256990, ClinGen allele CA412071582.

ClinVar aggregate classification (germline): Uncertain significance (1 of 4 stars; one submission).

Conditions:
ALG12-congenital disorder of glycosylation (CDG1G). Also called: ALG12-CDG; Congenital disorder of glycosylation, type Ig; CDG Ig. Identifiers: Orphanet 79324, MedGen C2931001, MONDO:0011783, OMIM 607143.

Submission:

Labcorp Genetics (formerly Invitae), Labcorp
Classification: Uncertain significance for ALG12-congenital disorder of glycosylation. Last evaluated: 2022-08-11. Review status: criteria provided, single submitter. Criteria: Invitae Variant Classification Sherloc (09022015). Collection method: clinical testing. Allele origin: germline.
Comment: In summary, the available evidence is currently insufficient to determine the role of this variant in disease. Therefore, it has been classified as a Variant of Uncertain Significance. Algorithms developed to predict the effect of missense changes on protein structure and function (SIFT, PolyPhen-2, Align-GVGD) all suggest that this variant is likely to be tolerated. This variant has not been reported in the literature in individuals affected with ALG12-related conditions. This variant is not present in population databases (gnomAD no frequency). This sequence change replaces threonine, which is neutral and polar, with alanine, which is neutral and non-polar, at codon 457 of the ALG12 protein (p.Thr457Ala).